The following is an entry in ClinVar:

ClinVar aggregate classification (germline): Uncertain significance (1 of 4 stars; one submission).

Allele frequency attached by ClinVar (database versions not stated): gnomAD exomes 0.00002.
gnomAD v4.1: 24 of 1,614,106 alleles (0.0015%); highest among the groups gnomAD compares: Non-Finnish European, 0.002%; no homozygotes.

Submission:

GeneDx
Classification: Uncertain significance. Last evaluated: 2020-12-11. Review status: criteria provided, single submitter. Criteria: GeneDx Variant Classification Process June 2021. Collection method: clinical testing. Allele origin: germline. Affected: yes.
Comment: Identified in the heterozygous state in an individual with mitochondrial complex I deficiency; this individual harbored a second NDUFS2 variant that is likely a benign polymorphism (Wang et al., 2016); Not observed in large population cohorts (Lek et al., 2016); In silico analysis supports that this missense variant has a deleterious effect on protein structure/function; This variant is associated with the following publications: (PMID: 27779215)

NM_001377299.1(NDUFS2):c.880C>T (p.Arg294Trp)

Gene: NDUFS2 (NADH:ubiquinone oxidoreductase core subunit S2; plus strand). Cytogenetic location: 1q23.3.
Variant type: single nucleotide variant.
Coding change: c.880C>T on transcript NM_001377299.1 (MANE Select); coding-DNA position 880, C replaced by T.
Protein change: p.Arg294Trp; replaces arginine 294 with tryptophan.
Molecular consequence: missense variant. On other transcripts: non-coding transcript variant (1).
Genome position (GRCh38, 1-based): chr1:161,210,604, C>T. VCF-style: chr1-161210604-C-T. GRCh37 (hg19) VCF-style: chr1-161180394-C-T.
Other names: c.880C>T, p.Arg294Trp (NM_001166159.2, NM_001377298.1, NM_001377300.1 and 3 more transcripts); short protein forms R294W.
Identifiers: ClinVar variation 1303551 (VCV001303551.2), dbSNP rs760084003, ClinGen allele CA31673723.
Genomic context (GRCh38, chr1:161,210,604, plus strand): 5'-ACTTAGTTTGTGGAGAGTGGCCCTTATTCCCATTATGCTCTCCACAGTGGAGTGATGCTT[C>T]GGGGCTCAGGCATCCAGTGGGACCTGCGGAAGACCCAGCCCTATGATGTTTACGACCAGG-3'
Protein context (NP_001364228.1, residues 284-304): LNYGFSGVML[Arg294Trp]GSGIQWDLRK